The following is an entry in ClinVar:

ClinVar aggregate classification (germline): Uncertain significance (1 of 4 stars; one submission).

Conditions:
Generalized epilepsy with febrile seizures plus, type 7 (GEFSP7). Also called: GEFS+, TYPE 7. Identifiers: Orphanet 36387, MedGen C2751778, MONDO:0013470, OMIM 613863.
Neuropathy, hereditary sensory and autonomic, type 2A (HSAN2A). Also called: HSAN IIA; ACROOSTEOLYSIS, GIACCAI TYPE; ACROOSTEOLYSIS, NEUROGENIC; MORVAN DISEASE; NEUROPATHY, CONGENITAL SENSORY; NEUROPATHY, HEREDITARY SENSORY RADICULAR, AUTOSOMAL RECESSIVE. Identifiers: Orphanet 970, MedGen C2752089, MONDO:0024309, OMIM 201300.

Submission:

Labcorp Genetics (formerly Invitae), Labcorp
Classification: Uncertain significance for Neuropathy, hereditary sensory and autonomic, type 2A; Generalized epilepsy with febrile seizures plus, type 7. Last evaluated: 2022-06-26. Review status: criteria provided, single submitter. Criteria: Invitae Variant Classification Sherloc (09022015). Collection method: clinical testing. Allele origin: germline.
Comment: In summary, the available evidence is currently insufficient to determine the role of this variant in disease. Therefore, it has been classified as a Variant of Uncertain Significance. Algorithms developed to predict the effect of missense changes on protein structure and function output the following: SIFT: "Tolerated"; PolyPhen-2: "Benign"; Align-GVGD: "Class C15". The threonine amino acid residue is found in multiple mammalian species, which suggests that this missense change does not adversely affect protein function. This variant has not been reported in the literature in individuals affected with SCN9A-related conditions. This variant is not present in population databases (gnomAD no frequency). This sequence change replaces isoleucine, which is neutral and non-polar, with threonine, which is neutral and polar, at codon 289 of the SCN9A protein (p.Ile289Thr).

NM_001365536.1(SCN9A):c.866T>C (p.Ile289Thr)

Gene: SCN9A (sodium voltage-gated channel alpha subunit 9; minus strand). Cytogenetic location: 2q24.3.
Variant type: single nucleotide variant.
Coding change: c.866T>C on transcript NM_001365536.1 (MANE Select); coding-DNA position 866, T replaced by C.
Protein change: p.Ile289Thr; replaces isoleucine 289 with threonine.
Molecular consequence: missense variant.
Genome position (GRCh38, 1-based): chr2:166,303,125, A>G on the plus strand (T>C on the coding strand, the complement: SCN9A is on the minus strand). VCF-style: chr2-166303125-A-G. GRCh37 (hg19) VCF-style: chr2-167159635-A-G.
Other names: c.866T>C, p.Ile289Thr (NM_002977.4); short protein forms I289T.
Identifiers: ClinVar variation 2011081 (VCV002011081.4), dbSNP rs2468116819, ClinGen allele CA349092362.